The following is an entry in ClinVar:

NM_001166108.2(PALLD):c.1965-12981C>T

Gene: PALLD (palladin, cytoskeletal associated protein; plus strand). Cytogenetic location: 4q32.3.
Variant type: single nucleotide variant.
Coding change: c.1965-12981C>T on transcript NM_001166108.2 (MANE Select); 12981 bases into the intron before coding-DNA position 1965, C replaced by T.
Molecular consequence: intron variant. On other transcripts: missense variant (1).
Genome position (GRCh38, 1-based): chr4:168,877,941, C>T. VCF-style: chr4-168877941-C-T. GRCh37 (hg19) VCF-style: chr4-169799092-C-T.
Other names: c.50C>T, p.Ser17Phe (NM_001166110.2); c.1965-12981C>T (NM_016081.4); c.819-12981C>T (NM_001166109.2); c.-157-12981C>T (NM_001367570.1, NM_001367568.1, NM_001367567.1 and 1 more transcripts); short protein forms S17F.
Identifiers: ClinVar variation 4564145 (VCV004564145.1).

ClinVar aggregate classification (germline): Uncertain significance (1 of 4 stars; one submission).

Submission:

Ambry Genetics
Classification: Uncertain significance. Last evaluated: 2025-09-25. Review status: criteria provided, single submitter. Criteria: Ambry Variant Classification Scheme 2023. Collection method: clinical testing. Allele origin: germline.
Comment: The p.S17F variant (also known as c.50C>T), located in coding exon 1 of the PALLD gene, results from a C to T substitution at nucleotide position 50. The serine at codon 17 is replaced by phenylalanine, an amino acid with highly dissimilar properties. This amino acid position is conserved. In addition, this alteration is predicted to be tolerated by in silico analysis. Based on the available evidence, the clinical significance of this variant remains unclear.